The following is an entry in ClinVar:

ClinVar aggregate classification (germline): Benign/Likely benign. Review status: criteria provided, multiple submitters, no conflicts (2 of 4 stars). 5 submissions from 5 submitters: Benign (2); Likely benign (2). 1 of the submissions does not count toward it. Last evaluated 2026-01-25.

Conditions:
TBK1-related disorder. Also called: TBK1-related condition.
Frontotemporal dementia and/or amyotrophic lateral sclerosis 4. Also called: FTDALS4. Identifiers: Orphanet 275872, MedGen C4225325, MONDO:0014641, OMIM 616439.

Allele frequency attached by ClinVar (database versions not stated): ExAC 0.00078; ESP Exome Variant Server 0.00223; gnomAD 0.00224 and 0.00245; TOPMed 0.00244; 1000 Genomes Project 0.00280; 1000 Genomes Project 30x 0.00375.
gnomAD v4.1: 616 of 1,612,610 alleles (0.038%); highest among the groups gnomAD compares: African/African-American, 0.69%; 4 homozygotes.

Submissions (5):

Labcorp Genetics (formerly Invitae), Labcorp
Classification: Benign for Frontotemporal dementia and/or amyotrophic lateral sclerosis 4. Last evaluated: 2026-01-25. Review status: criteria provided, single submitter. Criteria: Invitae Variant Classification Sherloc (09022015). Collection method: clinical testing. Allele origin: germline.

CeGaT Center for Human Genetics Tuebingen
Classification: Likely benign. Last evaluated: 2026-01-01. Review status: criteria provided, single submitter. Criteria: CeGaT Center For Human Genetics Tuebingen Variant Classification Criteria Version 2. Collection method: clinical testing. Allele origin: germline. Affected: yes. Observed: 1 variant allele.
Comment: TBK1: BS2

Blueprint Genetics
Classification: Likely benign. Last evaluated: 2024-11-25. Review status: criteria provided, single submitter. Criteria: ACMG Guidelines, 2015. Collection method: clinical testing. Allele origin: germline.

Breakthrough Genomics
Classification: Benign. Review status: criteria provided, single submitter. Criteria: ACMG Guidelines, 2015. Collection method: not provided. Allele origin: germline. Inheritance: Autosomal dominant inheritance. Affected: yes.

PreventionGenetics, part of Exact Sciences
Classification: Benign for TBK1-related condition. Last evaluated: 2019-04-25. Review status: no assertion criteria provided. Collection method: clinical testing. Allele origin: germline. Not counted in ClinVar's aggregate classification.
Comment: This variant is classified as benign based on ACMG/AMP sequence variant interpretation guidelines (Richards et al. 2015 PMID: 25741868, with internal and published modifications).

NM_013254.4(TBK1):c.1522C>A (p.Leu508Ile)

Gene: TBK1 (TANK binding kinase 1; plus strand). Cytogenetic location: 12q14.2.
Variant type: single nucleotide variant.
Coding change: c.1522C>A on transcript NM_013254.4 (MANE Select); coding-DNA position 1522, C replaced by A.
Protein change: p.Leu508Ile; replaces leucine 508 with isoleucine.
Molecular consequence: missense variant.
Genome position (GRCh38, 1-based): chr12:64,495,483, C>A. VCF-style: chr12-64495483-C-A. GRCh37 (hg19) VCF-style: chr12-64889263-C-A.
Other names: c.1522C>A, p.Leu508Ile (LRG_1306t1); short protein forms L508I.
Identifiers: ClinVar variation 542554 (VCV000542554.21), dbSNP rs144424516, ClinGen allele CA6669100.